The following is an entry in ClinVar:

ClinVar aggregate classification (germline): Likely benign. Review status: criteria provided, multiple submitters, no conflicts (2 of 4 stars). 4 submissions from 4 submitters: Likely benign (4). Last evaluated 2025-06-18.

Allele frequency attached by ClinVar (database versions not stated): ExAC 0.00002; TOPMed 0.00005; gnomAD 0.00007.
gnomAD v4.1: 56 of 1,613,832 alleles (0.0035%); highest among the groups gnomAD compares: Middle Eastern, 0.2%; no homozygotes.

Submissions (4):

Women's Health and Genetics/Laboratory Corporation of America, LabCorp
Classification: Likely benign. Last evaluated: 2025-06-18. Review status: criteria provided, single submitter. Criteria: LabCorp Variant Classification Summary - May 2015. Collection method: clinical testing. Allele origin: germline.

Labcorp Genetics (formerly Invitae), Labcorp
Classification: Likely benign. Last evaluated: 2025-04-14. Review status: criteria provided, single submitter. Criteria: Invitae Variant Classification Sherloc (09022015). Collection method: clinical testing. Allele origin: germline.

Blueprint Genetics
Classification: Likely benign. Last evaluated: 2024-06-12. Review status: criteria provided, single submitter. Criteria: ACMG Guidelines, 2015. Collection method: clinical testing. Allele origin: germline.

CeGaT Center for Human Genetics Tuebingen
Classification: Likely benign. Last evaluated: 2023-08-01. Review status: criteria provided, single submitter. Criteria: CeGaT Center For Human Genetics Tuebingen Variant Classification Criteria Version 2. Collection method: clinical testing. Allele origin: germline. Affected: yes. Observed: 1 variant allele.
Comment: SRCAP: BP4, BP7

NM_006662.3(SRCAP):c.1566A>G (p.Ala522=)

Gene: SRCAP (Snf2 related CREBBP activator protein; plus strand). Cytogenetic location: 16p11.2.
Variant type: single nucleotide variant.
Coding change: c.1566A>G on transcript NM_006662.3 (MANE Select); coding-DNA position 1566, A replaced by G.
Protein change: p.Ala522=; no amino-acid change (alanine 522 retained).
Molecular consequence: synonymous variant.
Genome position (GRCh38, 1-based): chr16:30,711,908, A>G. VCF-style: chr16-30711908-A-G. GRCh37 (hg19) VCF-style: chr16-30723229-A-G.
Identifiers: ClinVar variation 2646389 (VCV002646389.29), dbSNP rs527648472, ClinGen allele CA8011030.